The following is an entry in ClinVar:

NM_007294.4(BRCA1):c.2726A>G (p.Asn909Ser)

Gene: BRCA1 (BRCA1 DNA repair associated; minus strand). Cytogenetic location: 17q21.31.
Variant type: single nucleotide variant.
Coding change: c.2726A>G on transcript NM_007294.4 (MANE Select); coding-DNA position 2726, A replaced by G.
Protein change: p.Asn909Ser; replaces asparagine 909 with serine.
Molecular consequence: missense variant. On other transcripts: intron variant (137).
Genome position (GRCh38, 1-based): chr17:43,092,805, T>C on the plus strand (A>G on the coding strand, the complement: BRCA1 is on the minus strand). VCF-style: chr17-43092805-T-C. GRCh37 (hg19) VCF-style: chr17-41244822-T-C.
Other names: c.2600A>G, p.Asn867Ser (NM_001407688.1, NM_001407689.1, NM_001407690.1 and 11 more transcripts); c.2585A>G, p.Asn862Ser (NM_001407692.1, NM_001407697.1, NM_001407724.1 and 29 more transcripts); c.2723A>G, p.Asn908Ser (NM_001407636.1, NM_001407637.1, NM_001407638.1 and 22 more transcripts); c.2726A>G, p.Asn909Ser (NM_001407639.1, NM_001407640.1, NM_001407641.1 and 30 more transcripts); c.2717A>G, p.Asn906Ser (NM_001407646.1, NM_001407647.1); c.2603A>G, p.Asn868Ser (NM_001407648.1, NM_001407664.1, NM_001407665.1 and 19 more transcripts); c.2648A>G, p.Asn883Ser (NM_001407653.1, NM_001407654.1, NM_001407655.1 and 4 more transcripts); c.2645A>G, p.Asn882Ser (NM_001407659.1, NM_001407660.1, NM_001407661.1 and 1 more transcripts); and 41 more; short protein forms N781S, N861S, N908S, N909S, N782S, N842S, N868S, N906S.
Identifiers: ClinVar variation 2763191 (VCV002763191.3), dbSNP rs80357127, ClinGen allele CA10596539.

ClinVar aggregate classification (germline): Uncertain significance (1 of 4 stars; one submission).

Conditions:
Hereditary breast ovarian cancer syndrome. Also called: Hereditary breast and ovarian cancer syndrome; Hereditary breast and/or ovarian cancer syndrome; BRCA1- and BRCA2-Associated Hereditary Breast and Ovarian Cancer; Hereditary breast and ovarian cancer; Breast and ovarian cancer; Hereditary breast and ovarian cancer syndrome (HBOC). Identifiers: Orphanet 145, MedGen C0677776, MeSH D061325, MONDO:0003582. Disease mechanism: loss of function.

Submission:

Labcorp Genetics (formerly Invitae), Labcorp
Classification: Uncertain significance for Hereditary breast ovarian cancer syndrome. Last evaluated: 2024-04-22. Review status: criteria provided, single submitter. Criteria: Invitae Variant Classification Sherloc (09022015). Collection method: clinical testing. Allele origin: germline.
Comment: This sequence change replaces asparagine, which is neutral and polar, with serine, which is neutral and polar, at codon 909 of the BRCA1 protein (p.Asn909Ser). This variant is not present in population databases (gnomAD no frequency). This variant has not been reported in the literature in individuals affected with BRCA1-related conditions. Advanced modeling of protein sequence and biophysical properties (such as structural, functional, and spatial information, amino acid conservation, physicochemical variation, residue mobility, and thermodynamic stability) performed at Invitae indicates that this missense variant is not expected to disrupt BRCA1 protein function with a negative predictive value of 95%. In summary, the available evidence is currently insufficient to determine the role of this variant in disease. Therefore, it has been classified as a Variant of Uncertain Significance.